The following is an entry in ClinVar:

ClinVar aggregate classification (germline): Uncertain significance. Review status: criteria provided, multiple submitters, no conflicts (2 of 4 stars). 2 submissions from 2 submitters: Uncertain significance (2). Last evaluated 2023-07-19.

Conditions:
Inborn genetic diseases. Identifiers: MedGen C0950123, MeSH D030342.

Allele frequency attached by ClinVar (database versions not stated): gnomAD exomes 0.00003; TOPMed 0.00004; gnomAD 0.00007; ExAC 0.00010.
gnomAD v4.1: 54 of 1,507,214 alleles (0.0036%); highest among the groups gnomAD compares: Non-Finnish European, 0.0045%; no homozygotes.

Submissions (2):

Ambry Genetics
Classification: Uncertain significance for Inborn genetic diseases. Last evaluated: 2023-07-19. Review status: criteria provided, single submitter. Criteria: Ambry Variant Classification Scheme 2023. Collection method: clinical testing. Allele origin: germline.

Labcorp Genetics (formerly Invitae), Labcorp
Classification: Uncertain significance. Last evaluated: 2021-11-02. Review status: criteria provided, single submitter. Criteria: Invitae Variant Classification Sherloc (09022015). Collection method: clinical testing. Allele origin: germline.
Comment: This sequence change replaces alanine, which is neutral and non-polar, with serine, which is neutral and polar, at codon 41 of the NPHS2 protein (p.Ala41Ser). This variant is present in population databases (rs764350609, gnomAD 0.02%). This variant has not been reported in the literature in individuals affected with NPHS2-related conditions. Advanced modeling of protein sequence and biophysical properties (such as structural, functional, and spatial information, amino acid conservation, physicochemical variation, residue mobility, and thermodynamic stability) performed at Invitae indicates that this missense variant is not expected to disrupt NPHS2 protein function. In summary, the available evidence is currently insufficient to determine the role of this variant in disease. Therefore, it has been classified as a Variant of Uncertain Significance.

NM_014625.4(NPHS2):c.121G>T (p.Ala41Ser)

Gene: NPHS2 (NPHS2 stomatin family member, podocin; minus strand). Cytogenetic location: 1q25.2.
Variant type: single nucleotide variant.
Coding change: c.121G>T on transcript NM_014625.4 (MANE Select); coding-DNA position 121, G replaced by T.
Protein change: p.Ala41Ser; replaces alanine 41 with serine.
Molecular consequence: missense variant.
Genome position (GRCh38, 1-based): chr1:179,575,744, C>A on the plus strand (G>T on the coding strand, the complement: NPHS2 is on the minus strand). VCF-style: chr1-179575744-C-A. GRCh37 (hg19) VCF-style: chr1-179544879-C-A.
Other names: c.121G>T, p.Ala41Ser (NM_001297575.2); c.121G>T (NM_014625.2); short protein forms A41S.
Identifiers: ClinVar variation 2054810 (VCV002054810.3), dbSNP rs764350609, ClinGen allele CA1267316.
Genomic context (GRCh38, chr1:179,575,744, plus strand): 5'-CGGGCGCTCGGGGCTCCCCCGGGGTCCCCGCCCGTCCGGAGCCCGACGGCTCGGGCCCAG[C>A]CTCCTGGCGCCCGCGGCCTCCGCCGCTCCTCTCGGCCTTTGCCCTCTTGTTCTCCTTGTG-3'
Protein context (NP_055440.1, residues 31-51): RSGGGRGRQE[Ala41Ser]GPEPSGSGRA